The following is an entry in ClinVar:

ClinVar aggregate classification (germline): Uncertain significance (1 of 4 stars; one submission).

Conditions:
Malignant hyperthermia, susceptibility to, 1 (MHS1). Also called: Anesthesia related hyperthermia; Malignant hyperpyrexia; Fulminating hyperpyrexia; Pharmacogenic myopathy; RYR1-Related Malignant Hyperthermia Susceptibility; Malignant hyperthermia suceptibility 1. Identifiers: Orphanet 423, MedGen C2930980, MONDO:0007783, OMIM 145600.

Submission:

All of Us Research Program, National Institutes of Health
Classification: Uncertain significance for Malignant hyperthermia, susceptibility to, 1. Last evaluated: 2023-11-30. Review status: criteria provided, single submitter. Criteria: ACMG Guidelines, 2015. Collection method: clinical testing. Allele origin: germline. Inheritance: Autosomal dominant inheritance. Observed: 1 variant allele, 1 heterozygote.
Comment: This study involves interpretation of variants in research participants for the purpose of population health screening. Participant phenotype was not available at the time of variant classification. Additional details can be found in publication PMID: 35346344, PMCID: PMC8962531

NM_000540.3(RYR1):c.8851A>C (p.Ile2951Leu)

Gene: RYR1 (ryanodine receptor 1; plus strand). Cytogenetic location: 19q13.2.
Variant type: single nucleotide variant.
Coding change: c.8851A>C on transcript NM_000540.3 (MANE Select); coding-DNA position 8851, A replaced by C.
Protein change: p.Ile2951Leu; replaces isoleucine 2951 with leucine.
Molecular consequence: missense variant.
Genome position (GRCh38, 1-based): chr19:38,507,746, A>C. VCF-style: chr19-38507746-A-C. GRCh37 (hg19) VCF-style: chr19-38998386-A-C.
Other names: c.8851A>C, p.Ile2951Leu (NM_001042723.2); short protein forms I2951L.
Identifiers: ClinVar variation 3073900 (VCV003073900.1), dbSNP rs2514378498, ClinGen allele CA405681817.